The following is an entry in ClinVar:

ClinVar aggregate classification (germline): Uncertain significance (1 of 4 stars; one submission).

Conditions:
PLXNA1-related disorder. Also called: PLXNA1-related condition.

gnomAD v4.1: 10 of 1,612,240 alleles (0.00062%); highest among the groups gnomAD compares: African/African-American, 0.004%; no homozygotes.

Submission:

PreventionGenetics, part of Exact Sciences
Classification: Uncertain significance for PLXNA1-related condition. Last evaluated: 2025-04-28. Review status: criteria provided, single submitter. Criteria: ACMG Guidelines, 2015. Collection method: clinical testing. Allele origin: germline.
Comment: The PLXNA1 c.1838G>T variant is predicted to result in the amino acid substitution p.Gly613Val. To our knowledge, this variant has not been reported in the literature or in a large population database (gnomAD), indicating this variant is rare. At this time, the clinical significance of this variant is uncertain due to the absence of conclusive functional and genetic evidence.

NM_032242.4(PLXNA1):c.1838G>T (p.Gly613Val)

Gene: PLXNA1 (plexin A1; plus strand). Cytogenetic location: 3q21.3.
Variant type: single nucleotide variant.
Coding change: c.1838G>T on transcript NM_032242.4 (MANE Select); coding-DNA position 1838, G replaced by T.
Protein change: p.Gly613Val; replaces glycine 613 with valine.
Molecular consequence: missense variant.
Genome position (GRCh38, 1-based): chr3:127,005,184, G>T. VCF-style: chr3-127005184-G-T. GRCh37 (hg19) VCF-style: chr3-126724027-G-T.
Other names: short protein forms G613V.
Identifiers: ClinVar variation 4982167 (VCV004982167.1).